The following is an entry in ClinVar:

NM_005630.3(SLCO2A1):c.663C>T (p.Phe221=)

Gene: SLCO2A1 (solute carrier organic anion transporter family member 2A1; minus strand). Cytogenetic location: 3q22.1.
Variant type: single nucleotide variant.
Coding change: c.663C>T on transcript NM_005630.3 (MANE Select); coding-DNA position 663, C replaced by T.
Protein change: p.Phe221=; no amino-acid change (phenylalanine 221 retained).
Molecular consequence: synonymous variant.
Genome position (GRCh38, 1-based): chr3:133,953,724, G>A on the plus strand (C>T on the coding strand, the complement: SLCO2A1 is on the minus strand). VCF-style: chr3-133953724-G-A. GRCh37 (hg19) VCF-style: chr3-133672568-G-A.
Identifiers: ClinVar variation 1635095 (VCV001635095.11), dbSNP rs746311199, ClinGen allele CA2626754.

ClinVar aggregate classification (germline): Likely benign. Review status: criteria provided, multiple submitters, no conflicts (2 of 4 stars). 3 submissions from 3 submitters: Likely benign (3). Last evaluated 2026-05-01.

Allele frequency attached by ClinVar (database versions not stated): ExAC 0.00002; gnomAD exomes 0.00002; gnomAD 0.00004; TOPMed 0.00007.
gnomAD v4.1: 36 of 1,614,140 alleles (0.0022%); highest among the groups gnomAD compares: Admixed American, 0.012%; no homozygotes.

Submissions (3):

CeGaT Center for Human Genetics Tuebingen
Classification: Likely benign. Last evaluated: 2026-05-01. Review status: criteria provided, single submitter. Criteria: CeGaT Center For Human Genetics Tuebingen Variant Classification Criteria Version 2. Collection method: clinical testing. Allele origin: germline. Affected: yes. Observed: 1 variant allele.
Comment: SLCO2A1: BP4, BP7

Labcorp Genetics (formerly Invitae), Labcorp
Classification: Likely benign. Last evaluated: 2025-04-23. Review status: criteria provided, single submitter. Criteria: Invitae Variant Classification Sherloc (09022015). Collection method: clinical testing. Allele origin: germline.

Blueprint Genetics
Classification: Likely benign. Last evaluated: 2023-09-07. Review status: criteria provided, single submitter. Criteria: ACMG Guidelines, 2015. Collection method: clinical testing. Allele origin: germline.